The following is an entry in ClinVar:

NM_178034.4(PLA2G4D):c.1351G>A (p.Ala451Thr)

Gene: PLA2G4D (phospholipase A2 group IVD; minus strand). Cytogenetic location: 15q15.1.
Variant type: single nucleotide variant.
Coding change: c.1351G>A on transcript NM_178034.4 (MANE Select); coding-DNA position 1351, G replaced by A.
Protein change: p.Ala451Thr; replaces alanine 451 with threonine.
Molecular consequence: missense variant.
Genome position (GRCh38, 1-based): chr15:42,072,359, C>T on the plus strand (G>A on the coding strand, the complement: PLA2G4D is on the minus strand). VCF-style: chr15-42072359-C-T. GRCh37 (hg19) VCF-style: chr15-42364557-C-T.
Other names: short protein forms A451T.
Identifiers: ClinVar variation 4862025 (VCV004862025.1).

ClinVar aggregate classification (germline): Uncertain significance (1 of 4 stars; one submission).

gnomAD v4.1: 53 of 1,613,286 alleles (0.0033%); highest among the groups gnomAD compares: African/African-American, 0.0093%; no homozygotes.

Submission:

Ambry Genetics
Classification: Uncertain significance. Last evaluated: 2026-04-01. Review status: criteria provided, single submitter. Criteria: Ambry Variant Classification Scheme 2023. Collection method: clinical testing. Allele origin: germline.
Comment: The c.1351G>A (p.A451T) alteration is located in exon 14 (coding exon 14) of the PLA2G4D gene. This alteration results from a G to A substitution at nucleotide position 1351, causing the alanine (A) at amino acid position 451 to be replaced by a threonine (T). Based on data from gnomAD, the A allele has an overall frequency of 0.006% (17/282678) total alleles studied. The highest observed frequency was 0.024% (6/24944) of African alleles. Based on insufficient or conflicting evidence, the clinical significance of this alteration remains unclear.